The following is an entry in ClinVar:

NM_001378454.1(ALMS1):c.40G>T (p.Glu14Ter)

Gene: ALMS1 (ALMS1 centrosome and basal body associated protein; plus strand). Cytogenetic location: 2p13.1.
Variant type: single nucleotide variant.
Coding change: c.40G>T on transcript NM_001378454.1 (MANE Select); coding-DNA position 40, G replaced by T.
Protein change: p.Glu14Ter; replaces glutamic acid 14 with a stop codon.
Molecular consequence: nonsense.
Genome position (GRCh38, 1-based): chr2:73,385,908, G>T. VCF-style: chr2-73385908-G-T. GRCh37 (hg19) VCF-style: chr2-73613036-G-T.
Other names: c.43G>T, p.Glu15Ter (NM_015120.4); short protein forms E15*, E14*.
Identifiers: ClinVar variation 4729881 (VCV004729881.1).

ClinVar aggregate classification (germline): Pathogenic (1 of 4 stars; one submission).

Conditions:
Alstrom syndrome (ALMS). Identifiers: Orphanet 64, MedGen C0268425, MONDO:0008763, OMIM 203800.

Submission:

Labcorp Genetics (formerly Invitae), Labcorp
Classification: Pathogenic for Alstrom syndrome. Last evaluated: 2025-10-26. Review status: criteria provided, single submitter. Criteria: Invitae Variant Classification Sherloc (09022015). Collection method: clinical testing. Allele origin: germline.
Comment: This sequence change creates a premature translational stop signal (p.Glu15*) in the ALMS1 gene. It is expected to result in an absent or disrupted protein product. Loss-of-function variants in ALMS1 are known to be pathogenic (PMID: 17594715). This variant is not present in population databases (gnomAD no frequency). This variant has not been reported in the literature in individuals affected with ALMS1-related conditions. For these reasons, this variant has been classified as Pathogenic.

Literature cited by the submitters: PubMed 17594715.